The following is an entry in ClinVar:

NM_001276270.2(MBD4):c.454A>C (p.Lys152Gln)

Gene: MBD4 (methyl-CpG binding domain 4, DNA glycosylase; minus strand). Cytogenetic location: 3q21.3.
Variant type: single nucleotide variant.
Coding change: c.454A>C on transcript NM_001276270.2 (MANE Select); coding-DNA position 454, A replaced by C.
Protein change: p.Lys152Gln; replaces lysine 152 with glutamine.
Molecular consequence: missense variant. On other transcripts: intron variant (1).
Genome position (GRCh38, 1-based): chr3:129,437,190, T>G on the plus strand (A>C on the coding strand, the complement: MBD4 is on the minus strand). VCF-style: chr3-129437190-T-G. GRCh37 (hg19) VCF-style: chr3-129156033-T-G.
Other names: c.454A>C, p.Lys152Gln (NM_001276271.2, NM_001276272.2, NM_003925.3); c.247+618A>C (NM_001276273.2); short protein forms K152Q.
Identifiers: ClinVar variation 4624410 (VCV004624410.1).

ClinVar aggregate classification (germline): Uncertain significance (1 of 4 stars; one submission).

Conditions:
Inborn genetic diseases. Identifiers: MedGen C0950123, MeSH D030342.

Submission:

Ambry Genetics
Classification: Uncertain significance for Inborn genetic diseases. Last evaluated: 2025-10-27. Review status: criteria provided, single submitter. Criteria: Ambry Variant Classification Scheme 2023. Collection method: clinical testing. Allele origin: germline.
Comment: The p.K152Q variant (also known as c.454A>C), located in coding exon 3 of the MBD4 gene, results from an A to C substitution at nucleotide position 454. The lysine at codon 152 is replaced by glutamine, an amino acid with similar properties. This amino acid position is conserved. In addition, the in silico prediction for this alteration is inconclusive. Based on the available evidence, the clinical significance of this variant remains unclear.